The following is an entry in ClinVar:

NM_177438.3(DICER1):c.4080A>G (p.Gly1360=)

Gene: DICER1 (dicer 1, ribonuclease III; minus strand). Cytogenetic location: 14q32.13.
Variant type: single nucleotide variant.
Coding change: c.4080A>G on transcript NM_177438.3 (MANE Select); coding-DNA position 4080, A replaced by G.
Protein change: p.Gly1360=; no amino-acid change (glycine 1360 retained).
Molecular consequence: synonymous variant.
Genome position (GRCh38, 1-based): chr14:95,099,906, T>C on the plus strand (A>G on the coding strand, the complement: DICER1 is on the minus strand). VCF-style: chr14-95099906-T-C. GRCh37 (hg19) VCF-style: chr14-95566243-T-C.
Other names: c.4080A>G, p.Gly1360= (NM_001195573.1, NM_001271282.3, NM_001291628.2 and 1 more transcripts).
Identifiers: ClinVar variation 483464 (VCV000483464.16), dbSNP rs1555368622, ClinGen allele CA487625807.

ClinVar aggregate classification (germline): Likely benign. Review status: criteria provided, multiple submitters, no conflicts (2 of 4 stars). 3 submissions from 3 submitters: Likely benign (3). Last evaluated 2025-08-01.

Conditions:
Hereditary cancer-predisposing syndrome. Also called: Hereditary neoplastic syndrome; Tumor predisposition; Neoplastic Syndromes, Hereditary; Hereditary Cancer Syndrome. Identifiers: Orphanet 140162, MedGen C0027672, MeSH D009386, MONDO:0015356.
DICER1-related tumor predisposition. Also called: DICER1 syndrome; DICER1-related pleuropulmonary blastoma cancer predisposition syndrome. Identifiers: Orphanet 284343, MedGen C3839822, MONDO:0100216.

Submissions (3):

CeGaT Center for Human Genetics Tuebingen
Classification: Likely benign. Last evaluated: 2025-08-01. Review status: criteria provided, single submitter. Criteria: CeGaT Center For Human Genetics Tuebingen Variant Classification Criteria Version 2. Collection method: clinical testing. Allele origin: germline. Affected: yes. Observed: 1 variant allele.
Comment: DICER1: PM2:Supporting, BP4, BP7

Labcorp Genetics (formerly Invitae), Labcorp
Classification: Likely benign for DICER1-related tumor predisposition. Last evaluated: 2024-01-25. Review status: criteria provided, single submitter. Criteria: Invitae Variant Classification Sherloc (09022015). Collection method: clinical testing. Allele origin: germline.

Ambry Genetics
Classification: Likely benign for Hereditary cancer-predisposing syndrome. Last evaluated: 2017-09-05. Review status: criteria provided, single submitter. Criteria: Ambry Variant Classification Scheme 2023. Collection method: clinical testing. Allele origin: germline.